The following is an entry in ClinVar:

ClinVar aggregate classification (germline): Uncertain significance. Review status: criteria provided, multiple submitters, no conflicts (2 of 4 stars). 2 submissions from 2 submitters: Uncertain significance (2). Last evaluated 2022-12-02.

Conditions:
Combined immunodeficiency with skin granulomas. Identifiers: Orphanet 157949, MedGen C2673536, MONDO:0009306, OMIM 233650.
Severe combined immunodeficiency, autosomal recessive, T cell-negative, B cell-negative, NK cell-positive. Also called: SCID, T CELL-NEGATIVE, B CELL-NEGATIVE, NK CELL-POSITIVE; SCID, AR, T-cell negative, B-cell negative, NK cell-positive; Severe combined immunodeficiency due to complete RAG1/2 deficiency. Identifiers: Orphanet 331206, MedGen C1832322, MONDO:0011086, OMIM 601457.
Inborn genetic diseases. Identifiers: MedGen C0950123, MeSH D030342.

Allele frequency attached by ClinVar (database versions not stated): gnomAD exomes 0.00001; gnomAD 0.00002; TOPMed 0.00002.
gnomAD v4.1: 21 of 1,614,098 alleles (0.0013%); highest among the groups gnomAD compares: African/African-American, 0.0027%; no homozygotes.

Submissions (2):

Ambry Genetics
Classification: Uncertain significance for Inborn genetic diseases. Last evaluated: 2022-12-02. Review status: criteria provided, single submitter. Criteria: Ambry Variant Classification Scheme 2023. Collection method: clinical testing. Allele origin: germline.

Labcorp Genetics (formerly Invitae), Labcorp
Classification: Uncertain significance for Combined immunodeficiency with skin granulomas; Severe combined immunodeficiency, autosomal recessive, T cell-negative, B cell-negative, NK cell-positive. Last evaluated: 2022-06-15. Review status: criteria provided, single submitter. Criteria: Invitae Variant Classification Sherloc (09022015). Collection method: clinical testing. Allele origin: germline.
Comment: This sequence change replaces serine, which is neutral and polar, with leucine, which is neutral and non-polar, at codon 401 of the RAG1 protein (p.Ser401Leu). This variant is present in population databases (no rsID available, gnomAD 0.003%). This variant has not been reported in the literature in individuals affected with RAG1-related conditions. ClinVar contains an entry for this variant (Variation ID: 579845). Advanced modeling of protein sequence and biophysical properties (such as structural, functional, and spatial information, amino acid conservation, physicochemical variation, residue mobility, and thermodynamic stability) performed at Invitae indicates that this missense variant is expected to disrupt RAG1 protein function. In summary, the available evidence is currently insufficient to determine the role of this variant in disease. Therefore, it has been classified as a Variant of Uncertain Significance.

NM_000448.3(RAG1):c.1202C>T (p.Ser401Leu)

Gene: RAG1 (recombination activating 1; plus strand). Cytogenetic location: 11p12.
Variant type: single nucleotide variant.
Coding change: c.1202C>T on transcript NM_000448.3 (MANE Select); coding-DNA position 1202, C replaced by T.
Protein change: p.Ser401Leu; replaces serine 401 with leucine.
Molecular consequence: missense variant.
Genome position (GRCh38, 1-based): chr11:36,574,506, C>T. VCF-style: chr11-36574506-C-T. GRCh37 (hg19) VCF-style: chr11-36596056-C-T.
Other names: c.1202C>T, p.Ser401Leu (NM_001377277.1, NM_001377278.1, NM_001377279.1 and 1 more transcripts); short protein forms S401L.
Identifiers: ClinVar variation 579845 (VCV000579845.6), dbSNP rs1385203770, ClinGen allele CA380151845.